The following is an entry in ClinVar:

ClinVar aggregate classification (germline): Conflicting classifications of pathogenicity. Review status: criteria provided, conflicting classifications (1 of 4 stars). 3 submissions from 3 submitters: Uncertain significance (1); Likely benign (2). Last evaluated 2025-08-13.

Conditions:
Inborn genetic diseases. Identifiers: MedGen C0950123, MeSH D030342.

Allele frequency attached by ClinVar (database versions not stated): gnomAD exomes 0.00001; ExAC 0.00003; ESP Exome Variant Server 0.00008; gnomAD 0.00015; TOPMed 0.00021.
gnomAD v4.1: 44 of 1,612,674 alleles (0.0027%); highest among the groups gnomAD compares: African/African-American, 0.04%; no homozygotes.

Submissions (3):

Ambry Genetics
Classification: Likely benign for Inborn genetic diseases. Last evaluated: 2025-08-13. Review status: criteria provided, single submitter. Criteria: Ambry Variant Classification Scheme 2023. Collection method: clinical testing. Allele origin: germline.

CeGaT Center for Human Genetics Tuebingen
Classification: Likely benign. Last evaluated: 2024-11-01. Review status: criteria provided, single submitter. Criteria: CeGaT Center For Human Genetics Tuebingen Variant Classification Criteria Version 2. Collection method: clinical testing. Allele origin: germline. Affected: yes. Observed: 1 variant allele.
Comment: KDM6B: BP1, BP4

Greenwood Genetic Center Diagnostic Laboratories, Greenwood Genetic Center
Classification: Uncertain significance. Last evaluated: 2023-04-17. Review status: criteria provided, single submitter. Criteria: ACMG Guidelines, 2015. Collection method: clinical testing. Allele origin: germline. Affected: yes.
Comment: BP4

NM_001348716.2(KDM6B):c.3194C>T (p.Pro1065Leu)

Gene: KDM6B (lysine demethylase 6B; plus strand). Cytogenetic location: 17p13.1.
Variant type: single nucleotide variant.
Coding change: c.3194C>T on transcript NM_001348716.2 (MANE Select); coding-DNA position 3194, C replaced by T.
Protein change: p.Pro1065Leu; replaces proline 1065 with leucine.
Molecular consequence: missense variant.
Genome position (GRCh38, 1-based): chr17:7,849,482, C>T. VCF-style: chr17-7849482-C-T. GRCh37 (hg19) VCF-style: chr17-7752800-C-T.
Other names: c.3194C>T (NM_001080424.1); c.3194C>T, p.Pro1065Leu (NM_001080424.2); short protein forms P1065L.
Identifiers: ClinVar variation 2572334 (VCV002572334.16), dbSNP rs148894687, ClinGen allele CA8361090.